The following is an entry in ClinVar:

NM_000051.4(ATM):c.6287A>G (p.Glu2096Gly)

Genes: ATM (ATM serine/threonine kinase; plus strand), C11orf65 (chromosome 11 open reading frame 65; minus strand). Cytogenetic location: 11q22.3.
Variant type: single nucleotide variant.
Coding change: c.6287A>G on transcript NM_000051.4 (MANE Select); coding-DNA position 6287, A replaced by G.
Protein change: p.Glu2096Gly; replaces glutamic acid 2096 with glycine.
Molecular consequence: missense variant. On other transcripts: intron variant (2).
Genome position (GRCh38, 1-based): chr11:108,317,461, A>G. VCF-style: chr11-108317461-A-G. GRCh37 (hg19) VCF-style: chr11-108188188-A-G.
Other names: c.6287A>G, p.Glu2096Gly (NM_001351834.2); c.641-8390T>C (NM_001330368.2); c.*39-8390T>C (NM_001351110.2); short protein forms E2096G.
Identifiers: ClinVar variation 580265 (VCV000580265.14), dbSNP rs1565503246, ClinGen allele CA382552033.

ClinVar aggregate classification (germline): Conflicting classifications of pathogenicity. Review status: criteria provided, conflicting classifications (1 of 4 stars). 3 submissions from 3 submitters: Uncertain significance (2); Likely benign (1). Last evaluated 2025-10-13.

Conditions:
Hereditary cancer-predisposing syndrome. Also called: Hereditary Cancer Syndrome; Neoplastic Syndromes, Hereditary; Tumor predisposition; Hereditary neoplastic syndrome. Identifiers: Orphanet 140162, MedGen C0027672, MeSH D009386, MONDO:0015356.
Ataxia-telangiectasia syndrome (AT). Also called: Cerebello-oculocutaneous telangiectasia; Immunodeficiency with ataxia telangiectasia; Ataxia-telangiectasia, complementation group E; Ataxia-telangiectasia, complementation group D; AT, COMPLEMENTATION GROUP C; ATAXIA-TELANGIECTASIA, COMPLEMENTATION GROUP A. Identifiers: Orphanet 100, MedGen C0004135, MONDO:0008840, OMIM 208900.

Allele frequency attached by ClinVar (database versions not stated): gnomAD exomes below 0.00001.
gnomAD v4.1: 2 of 1,612,856 alleles (0.00012%); highest among the groups gnomAD compares: Non-Finnish European, 0.00017%; no homozygotes.

Submissions (3):

Labcorp Genetics (formerly Invitae), Labcorp
Classification: Uncertain significance for Ataxia-telangiectasia syndrome. Last evaluated: 2025-10-13. Review status: criteria provided, single submitter. Criteria: Invitae Variant Classification Sherloc (09022015). Collection method: clinical testing. Allele origin: germline.
Comment: This sequence change replaces glutamic acid, which is acidic and polar, with glycine, which is neutral and non-polar, at codon 2096 of the ATM protein (p.Glu2096Gly). This variant is not present in population databases (gnomAD no frequency). This variant has not been reported in the literature in individuals affected with ATM-related conditions. ClinVar contains an entry for this variant (Variation ID: 580265). Invitae Evidence Modeling of protein sequence and biophysical properties (such as structural, functional, and spatial information, amino acid conservation, physicochemical variation, residue mobility, and thermodynamic stability) indicates that this missense variant is not expected to disrupt ATM protein function with a negative predictive value of 95%. In summary, the available evidence is currently insufficient to determine the role of this variant in disease. Therefore, it has been classified as a Variant of Uncertain Significance.

Ambry Genetics
Classification: Likely benign for Hereditary cancer-predisposing syndrome. Last evaluated: 2024-10-12. Review status: criteria provided, single submitter. Criteria: Ambry Variant Classification Scheme 2023. Collection method: clinical testing. Allele origin: germline.

Color Diagnostics, LLC DBA Color Health
Classification: Uncertain significance for Hereditary cancer-predisposing syndrome. Last evaluated: 2023-12-05. Review status: criteria provided, single submitter. Criteria: ACMG Guidelines, 2015. Collection method: clinical testing. Allele origin: germline.
Comment: This missense variant replaces glutamic acid with glycine at codon 2096 of the ATM protein. Computational prediction suggests that this variant may not impact protein structure and function (internally defined REVEL score threshold <= 0.5, PMID: 27666373). To our knowledge, functional studies have not been reported for this variant. This variant has not been reported in individuals affected with ATM-related disorders in the literature. This variant has not been identified in the general population by the Genome Aggregation Database (gnomAD). The available evidence is insufficient to determine the role of this variant in disease conclusively. Therefore, this variant is classified as a Variant of Uncertain Significance.